The following is an entry in ClinVar:

NM_001323289.2(CDKL5):c.658del (p.Leu220fs)

Gene: CDKL5 (cyclin dependent kinase like 5; plus strand). Cytogenetic location: Xp22.13.
Variant type: Deletion.
Coding change: c.658del on transcript NM_001323289.2 (MANE Select); coding-DNA position 658, one base deleted (C; older notation c.658delC).
Protein change: p.Leu220fs; shifts the reading frame from leucine 220.
Molecular consequence: frameshift variant.
Genome position (GRCh38, 1-based): chrX:18,588,057, C deleted. VCF-style (leftmost placement, unchanged base first): chrX-18588056-AC-A. GRCh37 (hg19) VCF-style: chrX-18606176-AC-A.
Other names: c.658del, p.Leu220fs (NM_001037343.2, NM_003159.3); c.658del (NM_001037343.1); short protein forms L220fs.
Identifiers: ClinVar variation 3759264 (VCV003759264.3).

ClinVar aggregate classification (germline): Pathogenic/Likely pathogenic. Review status: criteria provided, multiple submitters, no conflicts (2 of 4 stars). 2 submissions from 2 submitters: Pathogenic (1); Likely pathogenic (1). Last evaluated 2025-09-30.

Conditions:
Developmental and epileptic encephalopathy, 2 (DEE2). Also called: CDKL5 deficiency disorder; INFANTILE SPASM SYNDROME, X-LINKED 2. Identifiers: Orphanet 1934, Orphanet 3451, Orphanet 505652, MedGen C4750718, MONDO:0010396, OMIM 300672.
Angelman syndrome-like. Identifiers: MedGen CN128785.

Submissions (2):

Genetics and Genomic Medicine Centre, NeuroGen Healthcare, NeuroGen Healthcare
Classification: Likely pathogenic for Developmental and epileptic encephalopathy, 2. Last evaluated: 2025-09-30. Review status: criteria provided, single submitter. Criteria: ACMG Guidelines, 2015. Collection method: clinical testing. Allele origin: unknown. Affected: yes.

Labcorp Genetics (formerly Invitae), Labcorp
Classification: Pathogenic for Developmental and epileptic encephalopathy, 2; Angelman syndrome-like. Last evaluated: 2024-09-27. Review status: criteria provided, single submitter. Criteria: Invitae Variant Classification Sherloc (09022015). Collection method: clinical testing. Allele origin: germline.
Comment: This sequence change creates a premature translational stop signal (p.Leu220Phefs*8) in the CDKL5 gene. It is expected to result in an absent or disrupted protein product. Loss-of-function variants in CDKL5 are known to be pathogenic (PMID: 22872100). This variant is not present in population databases (gnomAD no frequency). This variant has not been reported in the literature in individuals affected with CDKL5-related conditions. For these reasons, this variant has been classified as Pathogenic.

Literature cited by the submitters: PubMed 22872100 (cited by Labcorp Genetics (formerly Invitae), Labcorp).